The following is an entry in ClinVar:

ClinVar aggregate classification (germline): Likely benign. Review status: criteria provided, multiple submitters, no conflicts (2 of 4 stars). 2 submissions from 2 submitters: Likely benign (2). Last evaluated 2023-03-23.

Allele frequency attached by ClinVar (database versions not stated): gnomAD 0.00001; ExAC 0.00002; TOPMed 0.00002.
gnomAD v4.1: 13 of 1,613,652 alleles (0.00081%); highest among the groups gnomAD compares: South Asian, 0.0011%; no homozygotes.

Submissions (2):

Labcorp Genetics (formerly Invitae), Labcorp
Classification: Likely benign. Last evaluated: 2023-03-23. Review status: criteria provided, single submitter. Criteria: Invitae Variant Classification Sherloc (09022015). Collection method: clinical testing. Allele origin: germline.

CeGaT Center for Human Genetics Tuebingen
Classification: Likely benign. Last evaluated: 2022-04-01. Review status: criteria provided, single submitter. Criteria: CeGaT Center For Human Genetics Tuebingen Variant Classification Criteria Version 2. Collection method: clinical testing. Allele origin: germline. Affected: yes. Observed: 1 variant allele.
Comment: HSPG2: BP4, BP7

NM_005529.7(HSPG2):c.8565C>T (p.His2855=)

Gene: HSPG2 (heparan sulfate proteoglycan 2; minus strand). Cytogenetic location: 1p36.12.
Variant type: single nucleotide variant.
Coding change: c.8565C>T on transcript NM_005529.7 (MANE Select); coding-DNA position 8565, C replaced by T.
Protein change: p.His2855=; no amino-acid change (histidine 2855 retained).
Molecular consequence: synonymous variant.
Genome position (GRCh38, 1-based): chr1:21,844,199, G>A on the plus strand (C>T on the coding strand, the complement: HSPG2 is on the minus strand). VCF-style: chr1-21844199-G-A. GRCh37 (hg19) VCF-style: chr1-22170692-G-A.
Other names: c.8568C>T, p.His2856= (NM_001291860.2).
Identifiers: ClinVar variation 2638455 (VCV002638455.27), dbSNP rs777826497, ClinGen allele CA670737.